The following is an entry in ClinVar:

NM_001276270.2(MBD4):c.1392A>C (p.Ser464=)

Gene: MBD4 (methyl-CpG binding domain 4, DNA glycosylase; minus strand). Cytogenetic location: 3q21.3.
Variant type: single nucleotide variant.
Coding change: c.1392A>C on transcript NM_001276270.2 (MANE Select); coding-DNA position 1392, A replaced by C.
Protein change: p.Ser464=; no amino-acid change (serine 464 retained).
Molecular consequence: synonymous variant.
Genome position (GRCh38, 1-based): chr3:129,433,851, T>G on the plus strand (A>C on the coding strand, the complement: MBD4 is on the minus strand). VCF-style: chr3-129433851-T-G. GRCh37 (hg19) VCF-style: chr3-129152694-T-G.
Other names: c.1410A>C, p.Ser470= (NM_001276271.2, NM_001276272.2, NM_003925.3); c.456A>C, p.Ser152= (NM_001276273.2).
Identifiers: ClinVar variation 4859587 (VCV004859587.1).

ClinVar aggregate classification (germline): Uncertain significance (1 of 4 stars; one submission).

Conditions:
Inborn genetic diseases. Identifiers: MedGen C0950123, MeSH D030342.

Submission:

Ambry Genetics
Classification: Uncertain significance for Inborn genetic diseases. Last evaluated: 2026-04-29. Review status: criteria provided, single submitter. Criteria: Ambry Variant Classification Scheme 2023. Collection method: clinical testing. Allele origin: germline.
Comment: The c.1392A>C variant (also known as p.S464S), located in coding exon 5 of the MBD4 gene, results from an A to C substitution at nucleotide position 1392. This nucleotide substitution does not change the serine at codon 464. This nucleotide position is well conserved in available vertebrate species. In silico splice site analysis predicts that this alteration will weaken the native splice donor site. Based on the available evidence, the clinical significance of this variant remains unclear.